The following is an entry in ClinVar:

ClinVar aggregate classification (germline): Pathogenic (1 of 4 stars; one submission).

Conditions:
Familial thoracic aortic aneurysm and aortic dissection (TAAD). Also called: Thoracic aortic aneurysms and dissections. Identifiers: Orphanet 91387, MedGen C4707243, MONDO:0019625.

Submission:

Ambry Genetics
Classification: Pathogenic for Familial thoracic aortic aneurysm and aortic dissection. Last evaluated: 2019-09-18. Review status: criteria provided, single submitter. Criteria: Ambry Variant Classification Scheme 2023. Collection method: clinical testing. Allele origin: germline.
Comment: The c.3356_3359delGAGA pathogenic mutation, located in coding exon 27 of the FBN1 gene, results from a deletion of 4 nucleotides at nucleotide positions 3356 to 3359, causing a translational frameshift with a predicted alternate stop codon (p.R1119Ifs*42). This mutation was identified in an individual with dolichostenomelia, pectus excavatum requiring surgery, hypermobile joints, positive wrist & thumb signs, arachnodactyly, severe myopia, ascending aortic aneurysm, aortic root replacement, mitral valve prolapse, umbilical hernia, and striae (Schrijver I et al. Am. J. Hum. Genet., 2002 Aug;71:223-37). In addition to the clinical data presented in the literature, this alteration is expected to result in loss of function by premature protein truncation or nonsense-mediated mRNA decay. As such, this alteration is interpreted as a disease-causing mutation.

Literature cited by the submitters: PubMed 12068374.

NM_000138.5(FBN1):c.3356_3359del (p.Arg1119fs)

Gene: FBN1 (fibrillin 1; minus strand). Cytogenetic location: 15q21.1.
Variant type: Microsatellite.
Coding change: c.3356_3359del on transcript NM_000138.5 (MANE Select); coding-DNA positions 3356 to 3359, 4 bases deleted (GAGA; older notation c.3356_3359delGAGA).
Protein change: p.Arg1119fs; shifts the reading frame from arginine 1119.
Molecular consequence: frameshift variant.
Genome position (GRCh38, 1-based): chr15:48,487,416-48,487,419, TCTC deleted on the plus strand (GAGA on the coding strand, the reverse complement: FBN1 is on the minus strand); deleting any 4 consecutive bases within chr15:48,487,416-48,487,422 gives the same sequence; the c. name uses the placement nearest the transcript's 3' end. VCF-style (leftmost placement, unchanged base first): chr15-48487415-ATCTC-A. GRCh37 (hg19) VCF-style: chr15-48779612-ATCTC-A.
Other names: c.3353_3354AG[1], p.Arg1119Ilefs (NM_000138.4, NM_001406716.1); c.3356_3359delGAGA (NM_000138.4); short protein forms R1119fs.
Identifiers: ClinVar variation 1730546 (VCV001730546.2), dbSNP rs2505550565, ClinGen allele CA2580612806.